The following is an entry in ClinVar:

NM_002890.3(RASA1):c.3094C>T (p.Leu1032=)

Genes: CCNH (cyclin H; minus strand), RASA1 (RAS p21 protein activator 1; plus strand). Cytogenetic location: 5q14.3.
Variant type: single nucleotide variant.
Coding change: c.3094C>T on transcript NM_002890.3 (MANE Select); coding-DNA position 3094, C replaced by T.
Protein change: p.Leu1032=; no amino-acid change (leucine 1032 retained).
Molecular consequence: synonymous variant. On other transcripts: 3 prime UTR variant (2), non-coding transcript variant (1), intron variant (1).
Genome position (GRCh38, 1-based): chr5:87,390,833, C>T. VCF-style: chr5-87390833-C-T. GRCh37 (hg19) VCF-style: chr5-86686650-C-T.
Other names: p.Leu1032=; c.2563C>T, p.Leu855= (NM_022650.3); c.*2027G>A (NM_001363539.2, NM_001364076.2); c.933+4211G>A (NM_001364075.2).
Identifiers: ClinVar variation 4684853 (VCV004684853.1).
Genomic context (GRCh38, chr5:87,390,833, plus strand): 5'-TTTTCATACCATTTTTCCTCTGTCTAGCACGTATTGAAAAAGCTTCTGGCTATAACAGAA[C>T]TGCTTCAACAAAAACAAAACCAGTATACAAAAACCAATGATGTCAGGTAGCAGCCTTCGC-3'
Protein context (NP_002881.1, residues 1022-1042): VLKKLLAITE[Leu1032=]LQQKQNQYTK

ClinVar aggregate classification (germline): Likely benign. Review status: criteria provided, multiple submitters, no conflicts (2 of 4 stars). 2 submissions from 2 submitters: Likely benign (2). Last evaluated 2025-11-07.

Conditions:
Capillary malformation-arteriovenous malformation syndrome. Also called: Capillary malformation-arteriovenous malformation. Identifiers: Orphanet 137667, MedGen C1842180, MONDO:0012016.

Submissions (2):

Mayo Clinic Laboratories, Mayo Clinic
Classification: Likely benign. Last evaluated: 2025-11-07. Review status: criteria provided, single submitter. Criteria: ACMG Guidelines, 2015. Collection method: clinical testing. Allele origin: germline. Observed: 1 variant allele.
Comment: BP4, BP7, PM2_supporting

Labcorp Genetics (formerly Invitae), Labcorp
Classification: Likely benign for Capillary malformation-arteriovenous malformation syndrome. Last evaluated: 2025-03-30. Review status: criteria provided, single submitter. Criteria: Invitae Variant Classification Sherloc (09022015). Collection method: clinical testing. Allele origin: germline.